The following is an entry in ClinVar:

NM_000044.6(AR):c.1705G>T (p.Gly569Trp)

Gene: AR (androgen receptor; plus strand). Cytogenetic location: Xq12.
Variant type: single nucleotide variant.
Coding change: c.1705G>T on transcript NM_000044.6 (MANE Select); coding-DNA position 1705, G replaced by T.
Protein change: p.Gly569Trp; replaces glycine 569 with tryptophan.
Molecular consequence: missense variant. On other transcripts: intron variant (1).
Genome position (GRCh38, 1-based): chrX:67,643,344, G>T. VCF-style: chrX-67643344-G-T. GRCh37 (hg19) VCF-style: chrX-66863186-G-T.
Other names: c.109G>T, p.Gly37Trp (NM_001011645.3); c.1705G>T, p.Gly569Trp (NM_001348061.1, NM_001348063.1); c.1617-42597G>T (NM_001348064.1); short protein forms G569W, G37W.
Identifiers: ClinVar variation 533379 (VCV000533379.6), dbSNP rs1555982864, ClinGen allele CA413422794.

ClinVar aggregate classification (germline): Pathogenic (1 of 4 stars; one submission).

Conditions:
Androgen resistance syndrome (AIS). Also called: Androgen insensitivity, complete; Androgen insensitivity syndrome; DHTR DEFICIENCY; ANDROGEN RECEPTOR DEFICIENCY; DIHYDROTESTOSTERONE RECEPTOR DEFICIENCY; TESTICULAR FEMINIZATION SYNDROME. Identifiers: Orphanet 754, Orphanet 99429, MedGen C0039585, MONDO:0019154, OMIM 300068. Disease mechanism: loss of function.
Kennedy disease (SMAX1). Also called: Spinal and Bulbar Muscular Atrophy; SPINAL AND BULBAR MUSCULAR ATROPHY, X-LINKED 1; KENNEDY SPINAL AND BULBAR MUSCULAR ATROPHY. Identifiers: Orphanet 481, MedGen C1839259, MONDO:0010735, OMIM 313200.

Submission:

Labcorp Genetics (formerly Invitae), Labcorp
Classification: Pathogenic for Kennedy disease; Androgen resistance syndrome. Last evaluated: 2024-02-23. Review status: criteria provided, single submitter. Criteria: Invitae Variant Classification Sherloc (09022015). Collection method: clinical testing. Allele origin: germline.
Comment: This sequence change replaces glycine, which is neutral and non-polar, with tryptophan, which is neutral and slightly polar, at codon 569 of the AR protein (p.Gly569Trp). This variant is not present in population databases (gnomAD no frequency). This missense change has been observed in individuals with androgen insensitivity syndrome (PMID: 7910529, 28624954, 32345305; Invitae). ClinVar contains an entry for this variant (Variation ID: 533379). Advanced modeling of protein sequence and biophysical properties (such as structural, functional, and spatial information, amino acid conservation, physicochemical variation, residue mobility, and thermodynamic stability) has been performed at Invitae for this missense variant, however the output from this modeling did not meet the statistical confidence thresholds required to predict the impact of this variant on AR protein function. This variant disrupts the p.Gly569 amino acid residue in AR. Other variant(s) that disrupt this residue have been observed in individuals with AR-related conditions (PMID: 20150575, 27583472, 27849622), which suggests that this may be a clinically significant amino acid residue. For these reasons, this variant has been classified as Pathogenic.

Literature cited by the submitters: PubMed 7910529; PubMed 28624954; PubMed 32345305; PubMed 20150575; PubMed 27583472; PubMed 27849622.